The following is an entry in ClinVar:

NM_014712.3(SETD1A):c.3056T>C (p.Leu1019Pro)

Gene: SETD1A (SET domain containing 1A, histone lysine methyltransferase; plus strand). Cytogenetic location: 16p11.2.
Variant type: single nucleotide variant.
Coding change: c.3056T>C on transcript NM_014712.3 (MANE Select); coding-DNA position 3056, T replaced by C.
Protein change: p.Leu1019Pro; replaces leucine 1019 with proline.
Molecular consequence: missense variant.
Genome position (GRCh38, 1-based): chr16:30,971,417, T>C. VCF-style: chr16-30971417-T-C. GRCh37 (hg19) VCF-style: chr16-30982738-T-C.
Other names: short protein forms L1019P.
Identifiers: ClinVar variation 3369597 (VCV003369597.1).

ClinVar aggregate classification (germline): Uncertain significance (1 of 4 stars; one submission).

gnomAD v4.1: 11 of 1,609,858 alleles (0.00068%); highest among the groups gnomAD compares: Non-Finnish European, 0.00093%; no homozygotes.

Submission:

GeneDx
Classification: Uncertain significance. Last evaluated: 2024-02-21. Review status: criteria provided, single submitter. Criteria: GeneDx Variant Classification Process June 2021. Collection method: clinical testing. Allele origin: germline. Affected: yes.
Comment: Not observed at significant frequency in large population cohorts (gnomAD); In silico analysis supports that this missense variant does not alter protein structure/function; Has not been previously published as pathogenic or benign to our knowledge